The following is an entry in ClinVar:

ClinVar aggregate classification (germline): Uncertain significance (1 of 4 stars; one submission).

Conditions:
Hereditary cancer-predisposing syndrome. Also called: Neoplastic Syndromes, Hereditary; Tumor predisposition; Hereditary Cancer Syndrome; Hereditary neoplastic syndrome. Identifiers: Orphanet 140162, MedGen C0027672, MeSH D009386, MONDO:0015356.

gnomAD v4.1: 1 of 1,614,102 alleles (0.000062%); highest among the groups gnomAD compares: East Asian, 0.0022%; no homozygotes.

Submission:

Ambry Genetics
Classification: Uncertain significance for Hereditary cancer-predisposing syndrome. Last evaluated: 2024-10-10. Review status: criteria provided, single submitter. Criteria: Ambry Variant Classification Scheme 2023. Collection method: clinical testing. Allele origin: germline.
Comment: The p.V1125G variant (also known as c.3374T>G), located in coding exon 15 of the APC gene, results from a T to G substitution at nucleotide position 3374. The valine at codon 1125 is replaced by glycine, an amino acid with dissimilar properties. This variant was detected in 1 of 1292 individuals with biliary tract cancer and 2 of 37583 controls without a personal or family history of biliary tract cancer in Japan (Okawa Y et al. J Hepatol, 2023 Feb;78:333-342).This amino acid position is well conserved in available vertebrate species. In addition, in silico predictors for this gene do not accurately predict pathogenicity. Missense alterations in APC are not a common cause of disease (Spier I et al. Genet Med. 2024 Feb;26(2):100992). Based on the available evidence, the clinical significance of this variant remains unclear.

Literature cited by the submitters: PubMed 36243179.

NM_000038.6(APC):c.3374T>G (p.Val1125Gly)

Gene: APC (APC regulator of Wnt signaling pathway; plus strand). Cytogenetic location: 5q22.2.
Variant type: single nucleotide variant.
Coding change: c.3374T>G on transcript NM_000038.6 (MANE Select); coding-DNA position 3374, T replaced by G.
Protein change: p.Val1125Gly; replaces valine 1125 with glycine.
Molecular consequence: missense variant. On other transcripts: non-coding transcript variant (2).
Genome position (GRCh38, 1-based): chr5:112,838,968, T>G. VCF-style: chr5-112838968-T-G. GRCh37 (hg19) VCF-style: chr5-112174665-T-G.
Other names: c.3374T>G, p.Val1125Gly (NM_001127510.3, NM_001354895.2, NM_001407450.1); c.3320T>G, p.Val1107Gly (NM_001127511.3); c.3428T>G, p.Val1143Gly (NM_001354896.2, NM_001407447.1, NM_001407448.1 and 1 more transcripts); c.3404T>G, p.Val1135Gly (NM_001354897.2); c.3299T>G, p.Val1100Gly (NM_001354898.2); c.3290T>G, p.Val1097Gly (NM_001354899.2); c.3251T>G, p.Val1084Gly (NM_001354900.2); c.3197T>G, p.Val1066Gly (NM_001354901.2, NM_001407453.1); and 11 more; short protein forms V1115G, V1118G, V1125G, V1143G, V741G, V1024G, V1107G, V1135G.
Identifiers: ClinVar variation 3411437 (VCV003411437.1).